The following is an entry in ClinVar:

ClinVar aggregate classification (germline): Uncertain significance (1 of 4 stars; one submission).

Conditions:
Congenital disorder of deglycosylation (CDDG). Identifiers: MedGen C3808991, MONDO:0031376.

Submission:

Labcorp Genetics (formerly Invitae), Labcorp
Classification: Uncertain significance for Congenital disorder of deglycosylation. Last evaluated: 2022-08-31. Review status: criteria provided, single submitter. Criteria: Invitae Variant Classification Sherloc (09022015). Collection method: clinical testing. Allele origin: germline.
Comment: This variant is a gross deletion of the genomic region encompassing exon(s) 8-12 of the NGLY1 gene, which includes the termination codon. This deletion extends beyond the assayed region for this gene and therefore may encompass additional genes. While this deletion is not anticipated to lead to nonsense mediated decay, it is expected to alter mRNA translation or result in a truncated protein product. This variant has not been reported in the literature in individuals affected with NGLY1-related conditions. In summary, the available evidence is currently insufficient to determine the role of this variant in disease. Therefore, it has been classified as a Variant of Uncertain Significance.

NC_000003.12:g.(?_25719440)_(25734002_?)del

Gene: NGLY1 (N-glycanase 1; minus strand). Cytogenetic location: 3p24.2.
Variant type: Deletion.
Identifiers: ClinVar variation 832664 (VCV000832664.6).